The following is an entry in ClinVar:

ClinVar aggregate classification (germline): Likely benign. Review status: criteria provided, multiple submitters, no conflicts (2 of 4 stars). 3 submissions from 3 submitters: Likely benign (3). Last evaluated 2026-07-01.

Allele frequency attached by ClinVar (database versions not stated): 1000 Genomes Project 0.00020; ESP Exome Variant Server 0.00023; TOPMed 0.00028; gnomAD 0.00029; 1000 Genomes Project 30x 0.00031.

Submissions (3):

CeGaT Center for Human Genetics Tuebingen
Classification: Likely benign. Last evaluated: 2026-07-01. Review status: criteria provided, single submitter. Criteria: CeGaT Center For Human Genetics Tuebingen Variant Classification Criteria Version 2. Collection method: clinical testing. Allele origin: germline. Affected: yes. Observed: 2 variant alleles.
Comment: DLL1: BP4, BP7

Labcorp Genetics (formerly Invitae), Labcorp
Classification: Likely benign. Last evaluated: 2026-01-05. Review status: criteria provided, single submitter. Criteria: Invitae Variant Classification Sherloc (09022015). Collection method: clinical testing. Allele origin: germline.

Breakthrough Genomics
Classification: Likely benign. Review status: criteria provided, single submitter. Criteria: ACMG Guidelines, 2015. Collection method: not provided. Allele origin: germline. Inheritance: Autosomal dominant inheritance. Affected: yes.

NM_005618.4(DLL1):c.1689C>T (p.Ala563=)

Gene: DLL1 (delta like canonical Notch ligand 1; minus strand). Cytogenetic location: 6q27.
Variant type: single nucleotide variant.
Coding change: c.1689C>T on transcript NM_005618.4 (MANE Select); coding-DNA position 1689, C replaced by T.
Protein change: p.Ala563=; no amino-acid change (alanine 563 retained).
Molecular consequence: synonymous variant.
Genome position (GRCh38, 1-based): chr6:170,283,590, G>A on the plus strand (C>T on the coding strand, the complement: DLL1 is on the minus strand). VCF-style: chr6-170283590-G-A. GRCh37 (hg19) VCF-style: chr6-170592678-G-A.
Identifiers: ClinVar variation 732465 (VCV000732465.14), dbSNP rs149820699, ClinGen allele CA4106761.